The following is an entry in ClinVar:

NM_001145165.2(DOHH):c.477G>T (p.Gly159=)

Gene: DOHH (deoxyhypusine hydroxylase; minus strand). Cytogenetic location: 19p13.3.
Variant type: single nucleotide variant.
Coding change: c.477G>T on transcript NM_001145165.2 (MANE Select); coding-DNA position 477, G replaced by T.
Protein change: p.Gly159=; no amino-acid change (glycine 159 retained).
Molecular consequence: synonymous variant.
Genome position (GRCh38, 1-based): chr19:3,492,374, C>A on the plus strand (G>T on the coding strand, the complement: DOHH is on the minus strand). VCF-style: chr19-3492374-C-A. GRCh37 (hg19) VCF-style: chr19-3492372-C-A.
Other names: c.477G>T, p.Gly159= (NM_031304.5).
Identifiers: ClinVar variation 2648987 (VCV002648987.25), dbSNP rs373704209, ClinGen allele CA9077892.

ClinVar aggregate classification (germline): Likely benign. Review status: criteria provided, multiple submitters, no conflicts (2 of 4 stars). 2 submissions from 2 submitters: Likely benign (2). Last evaluated 2025-11-01.

Allele frequency attached by ClinVar (database versions not stated): 1000 Genomes Project 0.00040; ESP Exome Variant Server 0.00046; 1000 Genomes Project 30x 0.00047; gnomAD 0.00073; TOPMed 0.00078; ExAC 0.00270.
gnomAD v4.1: 1,109 of 1,539,048 alleles (0.072%); highest among the groups gnomAD compares: Middle Eastern, 0.47%; 2 homozygotes.

Submissions (2):

CeGaT Center for Human Genetics Tuebingen
Classification: Likely benign. Last evaluated: 2025-11-01. Review status: criteria provided, single submitter. Criteria: CeGaT Center For Human Genetics Tuebingen Variant Classification Criteria Version 2. Collection method: clinical testing. Allele origin: germline. Affected: yes. Observed: 3 variant alleles.
Comment: DOHH: BP4, BP7

Blueprint Genetics
Classification: Likely benign. Last evaluated: 2024-11-26. Review status: criteria provided, single submitter. Criteria: ACMG Guidelines, 2015. Collection method: clinical testing. Allele origin: germline.